The following is an entry in ClinVar:

NM_002769.5(PRSS1):c.593G>T (p.Gly198Val)

Genes: PRSS1 (serine protease 1; plus strand), TRB (T cell receptor beta locus; plus strand). Cytogenetic location: 7q34.
Variant type: single nucleotide variant.
Coding change: c.593G>T on transcript NM_002769.5 (MANE Select); coding-DNA position 593, G replaced by T.
Protein change: p.Gly198Val; replaces glycine 198 with valine.
Molecular consequence: missense variant. On other transcripts: non-coding transcript variant (5).
Genome position (GRCh38, 1-based): chr7:142,752,869, G>T. VCF-style: chr7-142752869-G-T. GRCh37 (hg19) VCF-style: chr7-142460720-G-T.
Other names: short protein forms G198V.
Identifiers: ClinVar variation 2497485 (VCV002497485.3), dbSNP rs1201496061, ClinGen allele CA369610566.
Genomic context (GRCh38, chr7:142,752,869, plus strand): 5'-TAAATGTAGCTATATTCCTCCTCCATCTCTCCATACAACTTGTCCCTTCTTCCCCCCAGG[G>T]TGATTCTGGTGGCCCTGTGGTCTGCAATGGACAGCTCCAAGGAGTTGTCTCCTGGGGTGA-3'
Protein context (NP_002760.1, residues 188-208): FLEGGKDSCQ[Gly198Val]DSGGPVVCNG

ClinVar aggregate classification (germline): Uncertain significance (1 of 4 stars; one submission).

Conditions:
Hereditary pancreatitis (PCTT). Also called: Hereditary chronic pancreatitis; PRSS1-Related Hereditary Pancreatitis. Identifiers: Orphanet 676, MedGen C0238339, MONDO:0008185, OMIM 167800.

Submission:

Ambry Genetics
Classification: Uncertain significance for Hereditary pancreatitis. Last evaluated: 2025-06-07. Review status: criteria provided, single submitter. Criteria: Ambry Variant Classification Scheme 2023. Collection method: clinical testing. Allele origin: germline.
Comment: The p.G198V variant (also known as c.593G>T), located in coding exon 5 of the PRSS1 gene, results from a G to T substitution at nucleotide position 593. The glycine at codon 198 is replaced by valine, an amino acid with dissimilar properties. This amino acid position is conserved. In addition, this alteration is predicted to be deleterious by in silico analysis. Since supporting evidence is limited at this time, the clinical significance of this alteration remains unclear.